The following is an entry in ClinVar:

NM_004706.4(ARHGEF1):c.352G>A (p.Val118Ile)

Gene: ARHGEF1 (Rho guanine nucleotide exchange factor 1; plus strand). Cytogenetic location: 19q13.2.
Variant type: single nucleotide variant.
Coding change: c.352G>A on transcript NM_004706.4 (MANE Select); coding-DNA position 352, G replaced by A.
Protein change: p.Val118Ile; replaces valine 118 with isoleucine.
Molecular consequence: missense variant. On other transcripts: non-coding transcript variant (2).
Genome position (GRCh38, 1-based): chr19:41,892,358, G>A. VCF-style: chr19-41892358-G-A. GRCh37 (hg19) VCF-style: chr19-42396429-G-A.
Other names: c.352G>A, p.Val118Ile (NM_001396000.1, NM_001396003.1, NM_001396006.1); c.253G>A, p.Val85Ile (NM_001396002.1, NM_001396004.1, NM_198977.2); c.397G>A, p.Val133Ile (NM_199002.2); c.397G>A (NM_199002.1); short protein forms V118I, V133I, V85I.
Identifiers: ClinVar variation 3619457 (VCV003619457.3).

ClinVar aggregate classification (germline): Uncertain significance. Review status: criteria provided, multiple submitters, no conflicts (2 of 4 stars). 2 submissions from 2 submitters: Uncertain significance (2). Last evaluated 2025-04-01.

gnomAD v4.1: 12 of 1,613,900 alleles (0.00074%); highest among the groups gnomAD compares: South Asian, 0.0033%; no homozygotes.

Submissions (2):

Ambry Genetics
Classification: Uncertain significance. Last evaluated: 2025-04-01. Review status: criteria provided, single submitter. Criteria: Ambry Variant Classification Scheme 2023. Collection method: clinical testing. Allele origin: germline.

Labcorp Genetics (formerly Invitae), Labcorp
Classification: Uncertain significance. Last evaluated: 2024-02-14. Review status: criteria provided, single submitter. Criteria: Invitae Variant Classification Sherloc (09022015). Collection method: clinical testing. Allele origin: germline.
Comment: This sequence change replaces valine, which is neutral and non-polar, with isoleucine, which is neutral and non-polar, at codon 133 of the ARHGEF1 protein (p.Val133Ile). The frequency data for this variant in the population databases is considered unreliable, as metrics indicate poor data quality at this position in the gnomAD database. This variant has not been reported in the literature in individuals affected with ARHGEF1-related conditions. An algorithm developed to predict the effect of missense changes on protein structure and function (PolyPhen-2) suggests that this variant is likely to be tolerated. In summary, the available evidence is currently insufficient to determine the role of this variant in disease. Therefore, it has been classified as a Variant of Uncertain Significance.